The following is an entry in ClinVar:

ClinVar aggregate classification (germline): Benign (0 of 4 stars; one submission).

Conditions:
DDX54-related disorder. Also called: DDX54-related condition.

Allele frequency attached by ClinVar (database versions not stated): 1000 Genomes Project 30x 0.00078; 1000 Genomes Project 0.00100; ESP Exome Variant Server 0.00407; TOPMed 0.00476; ExAC 0.00503; gnomAD 0.00555; gnomAD exomes 0.00582.

Submissions (10):

PreventionGenetics, part of Exact Sciences
Classification: Benign for DDX54-related condition. Last evaluated: 2019-11-04. Review status: no assertion criteria provided. Collection method: clinical testing. Allele origin: germline.
Comment: This variant is classified as benign based on ACMG/AMP sequence variant interpretation guidelines (Richards et al. 2015 PMID: 25741868, with internal and published modifications).

Dr. Peter K. Rogan Lab, Western University
No classification provided (evidence only). Condition: Acute myeloid leukemia. Review status: no classification provided. Collection method: in vitro. Allele origin: not applicable. Functional consequence: skipped exon. Not counted in ClinVar's aggregate classification.

Dr. Peter K. Rogan Lab, Western University
No classification provided (evidence only). Condition: Familial cancer of breast. Review status: no classification provided. Collection method: in vitro. Allele origin: not applicable. Functional consequence: retained intron. Not counted in ClinVar's aggregate classification.

Dr. Peter K. Rogan Lab, Western University
No classification provided (evidence only). Condition: Familial cancer of breast. Review status: no classification provided. Collection method: in vitro. Allele origin: not applicable. Functional consequence: retained intron. Not counted in ClinVar's aggregate classification.

Dr. Peter K. Rogan Lab, Western University
No classification provided (evidence only). Condition: Familial cancer of breast. Review status: no classification provided. Collection method: in vitro. Allele origin: not applicable. Functional consequence: retained intron. Not counted in ClinVar's aggregate classification.

Dr. Peter K. Rogan Lab, Western University
No classification provided (evidence only). Condition: Malignant lymphoma, large B-cell, diffuse. Review status: no classification provided. Collection method: in vitro. Allele origin: not applicable. Functional consequence: skipped exon. Not counted in ClinVar's aggregate classification.

Dr. Peter K. Rogan Lab, Western University
No classification provided (evidence only). Condition: Colorectal cancer. Review status: no classification provided. Collection method: in vitro. Allele origin: not applicable. Functional consequence: skipped exon. Not counted in ClinVar's aggregate classification.

Dr. Peter K. Rogan Lab, Western University
No classification provided (evidence only). Condition: Uveal melanoma. Review status: no classification provided. Collection method: in vitro. Allele origin: not applicable. Functional consequence: skipped exon. Not counted in ClinVar's aggregate classification.

Dr. Peter K. Rogan Lab, Western University
No classification provided (evidence only). Condition: Malignant tumor of esophagus. Review status: no classification provided. Collection method: in vitro. Allele origin: not applicable. Functional consequence: retained intron. Not counted in ClinVar's aggregate classification.

Dr. Peter K. Rogan Lab, Western University
No classification provided (evidence only). Condition: Malignant tumor of esophagus. Review status: no classification provided. Collection method: in vitro. Allele origin: not applicable. Functional consequence: retained intron. Not counted in ClinVar's aggregate classification.

NM_024072.4(DDX54):c.1939-8_1939-5del

Gene: DDX54 (DEAD-box helicase 54; minus strand). Cytogenetic location: 12q24.13.
Variant type: Deletion.
Coding change: c.1939-8_1939-5del on transcript NM_024072.4 (MANE Select); 8 bases into the intron before coding-DNA position 1939 through 5 bases into the intron before coding-DNA position 1939, 4 bases deleted (TCTG; older notation c.1939-8_1939-5delTCTG).
Molecular consequence: intron variant.
Genome position (GRCh38, 1-based): chr12:113,163,279-113,163,282, CAGA deleted on the plus strand (TCTG on the coding strand, the reverse complement: DDX54 is on the minus strand). VCF-style (leftmost placement, unchanged base first): chr12-113163278-GCAGA-G. GRCh37 (hg19) VCF-style: chr12-113601083-GCAGA-G.
Other names: NC_000012.11:g.113601084_113601087del; c.1939-8_1939-5del (NM_001111322.2).
Identifiers: ClinVar variation 3041462 (VCV003041462.3), dbSNP rs138867026, ClinGen allele CA6803459.